The following is an entry in ClinVar:

ClinVar aggregate classification (germline): Uncertain significance (1 of 4 stars; one submission).

Submission:

Labcorp Genetics (formerly Invitae), Labcorp
Classification: Uncertain significance. Last evaluated: 2025-06-03. Review status: criteria provided, single submitter. Criteria: Invitae Variant Classification Sherloc (09022015). Collection method: clinical testing. Allele origin: germline.
Comment: This sequence change falls in intron 7 of the MYLK3 gene. It does not directly change the encoded amino acid sequence of the MYLK3 protein. It affects a nucleotide within the consensus splice site. This variant is not present in population databases (gnomAD no frequency). This variant has not been reported in the literature in individuals affected with MYLK3-related conditions. Variants that disrupt the consensus splice site are a relatively common cause of aberrant splicing (PMID: 17576681, 9536098). Algorithms developed to predict the effect of sequence changes on RNA splicing suggest that this variant may disrupt the consensus splice site. In summary, the available evidence is currently insufficient to determine the role of this variant in disease. Therefore, it has been classified as a Variant of Uncertain Significance.

Literature cited by the submitters: PubMed 17576681; PubMed 9536098.

NM_182493.3(MYLK3):c.1772+6T>A

Gene: MYLK3 (myosin light chain kinase 3; minus strand). Cytogenetic location: 16q11.2.
Variant type: single nucleotide variant.
Coding change: c.1772+6T>A on transcript NM_182493.3 (MANE Select); 6 bases into the intron after coding-DNA position 1772, T replaced by A.
Molecular consequence: intron variant.
Genome position (GRCh38, 1-based): chr16:46,729,018, A>T on the plus strand (T>A on the coding strand, the complement: MYLK3 is on the minus strand). VCF-style: chr16-46729018-A-T. GRCh37 (hg19) VCF-style: chr16-46762930-A-T.
Other names: c.749+6T>A (NM_001308301.1).
Identifiers: ClinVar variation 4710550 (VCV004710550.1).